The following is an entry in ClinVar:

ClinVar aggregate classification (germline): Likely benign (0 of 4 stars; one submission).

Conditions:
DROSHA-related disorder. Also called: DROSHA-related condition.

Submission:

PreventionGenetics, part of Exact Sciences
Classification: Likely benign for DROSHA-related condition. Last evaluated: 2022-12-15. Review status: no assertion criteria provided. Collection method: clinical testing. Allele origin: germline.
Comment: This variant is classified as likely benign based on ACMG/AMP sequence variant interpretation guidelines (Richards et al. 2015 PMID: 25741868, with internal and published modifications).

NM_001382508.1(DROSHA):c.2749T>C (p.Leu917=)

Gene: DROSHA (drosha ribonuclease III; minus strand). Cytogenetic location: 5p13.3.
Variant type: single nucleotide variant.
Coding change: c.2749T>C on transcript NM_001382508.1 (MANE Select); coding-DNA position 2749, T replaced by C.
Protein change: p.Leu917=; no amino-acid change (leucine 917 retained).
Molecular consequence: synonymous variant.
Genome position (GRCh38, 1-based): chr5:31,449,353, A>G on the plus strand (T>C on the coding strand, the complement: DROSHA is on the minus strand). VCF-style: chr5-31449353-A-G. GRCh37 (hg19) VCF-style: chr5-31449460-A-G.
Other names: c.2638T>C, p.Leu880= (NM_001100412.2); c.2749T>C, p.Leu917= (NM_013235.5).
Identifiers: ClinVar variation 3045762 (VCV003045762.2), dbSNP rs2478027029, ClinGen allele CA443640483.
Genomic context (GRCh38, chr5:31,449,353, plus strand): 5'-TGTGCATGTGATGAACTTTTCTGTCTCCGTATTTGGGCTGCCGAATTCCACAGTTAGATA[A>G]TGAATTCCTGGCATGATCAGGATTCATTCCAAAATTTAAATGATGACTTGGATGAGTCAT-3'
Protein context (NP_001369437.1, residues 907-927): GMNPDHARNS[Leu917=]SNCGIRQPKY